The following is an entry in ClinVar:

ClinVar aggregate classification (germline): Uncertain significance (1 of 4 stars; one submission).

gnomAD v4.1: 1 of 1,208,198 alleles (0.000083%); no homozygotes.

Submission:

GeneDx
Classification: Uncertain significance. Last evaluated: 2022-12-29. Review status: criteria provided, single submitter. Criteria: GeneDx Variant Classification Process June 2021. Collection method: clinical testing. Allele origin: germline. Affected: yes.
Comment: Not observed at significant frequency in large population cohorts (gnomAD); Has not been previously published as pathogenic or benign to our knowledge; In silico analysis suggests this variant may impact gene splicing. In the absence of RNA/functional studies, the actual effect of this sequence change is unknown.

NM_001099922.3(ALG13):c.2037A>C (p.Pro679=)

Gene: ALG13 (ALG13 UDP-N-acetylglucosaminyltransferase subunit; plus strand). Cytogenetic location: Xq23.
Variant type: single nucleotide variant.
Coding change: c.2037A>C on transcript NM_001099922.3 (MANE Select); coding-DNA position 2037, A replaced by C.
Protein change: p.Pro679=; no amino-acid change (proline 679 retained).
Molecular consequence: synonymous variant. On other transcripts: non-coding transcript variant (1).
Genome position (GRCh38, 1-based): chrX:111,727,392, A>C. VCF-style: chrX-111727392-A-C. GRCh37 (hg19) VCF-style: chrX-110970620-A-C.
Other names: c.1725A>C, p.Pro575= (NM_001257230.2, NM_001257234.2, NM_001257237.2); c.1803A>C, p.Pro601= (NM_001257231.2); c.2037A>C, p.Pro679= (NM_001324292.2); c.1551A>C, p.Pro517= (NM_001324293.1).
Identifiers: ClinVar variation 2507298 (VCV002507298.1), dbSNP rs764270660, ClinGen allele CA518060449.